The following is an entry in ClinVar:

ClinVar aggregate classification (germline): Uncertain significance (1 of 4 stars; one submission).

Conditions:
Cardiovascular phenotype. Identifiers: MedGen CN230736.

Submission:

Ambry Genetics
Classification: Uncertain significance for Cardiovascular phenotype. Last evaluated: 2021-11-05. Review status: criteria provided, single submitter. Criteria: Ambry Variant Classification Scheme 2023. Collection method: clinical testing. Allele origin: germline.
Comment: The p.E1129D variant (also known as c.3387G>C), located in coding exon 2 of the ZNF469 gene, results from a G to C substitution at nucleotide position 3387. The glutamic acid at codon 1129 is replaced by aspartic acid, an amino acid with highly similar properties. This amino acid position is conserved. In addition, this alteration is predicted to be tolerated by in silico analysis. Since supporting evidence is limited at this time, the clinical significance of this alteration remains unclear.

NM_001367624.2(ZNF469):c.3471G>C (p.Glu1157Asp)

Gene: ZNF469 (zinc finger protein 469; plus strand). Cytogenetic location: 16q24.2.
Variant type: single nucleotide variant.
Coding change: c.3471G>C on transcript NM_001367624.2 (MANE Select); coding-DNA position 3471, G replaced by C.
Protein change: p.Glu1157Asp; replaces glutamic acid 1157 with aspartic acid.
Molecular consequence: missense variant.
Genome position (GRCh38, 1-based): chr16:88,430,941, G>C. VCF-style: chr16-88430941-G-C. GRCh37 (hg19) VCF-style: chr16-88497349-G-C.
Other names: NM_001127464.1:c.3387G>C; short protein forms E1157D.
Identifiers: ClinVar variation 1730862 (VCV001730862.2), dbSNP rs2507583542, ClinGen allele CA397084503.